The following is an entry in ClinVar:

ClinVar aggregate classification (germline): Uncertain significance (1 of 4 stars; one submission).

Allele frequency attached by ClinVar (database versions not stated): gnomAD 0.00001.
gnomAD v4.1: 6 of 1,611,618 alleles (0.00037%); highest among the groups gnomAD compares: Non-Finnish European, 0.00051%; no homozygotes.

Submission:

Labcorp Genetics (formerly Invitae), Labcorp
Classification: Uncertain significance. Last evaluated: 2022-01-26. Review status: criteria provided, single submitter. Criteria: Invitae Variant Classification Sherloc (09022015). Collection method: clinical testing. Allele origin: germline.
Comment: This variant is not present in population databases (gnomAD no frequency). This sequence change replaces asparagine with serine at codon 550 of the EXOC6B protein (p.Asn550Ser). The asparagine residue is moderately conserved and there is a small physicochemical difference between asparagine and serine. This variant has not been reported in the literature in individuals affected with EXOC6B-related conditions. In summary, the available evidence is currently insufficient to determine the role of this variant in disease. Therefore, it has been classified as a Variant of Uncertain Significance. Experimental studies and prediction algorithms are not available or were not evaluated, and the functional significance of this variant is currently unknown.

NM_015189.3(EXOC6B):c.1649A>G (p.Asn550Ser)

Gene: EXOC6B (exocyst complex component 6B; minus strand). Cytogenetic location: 2p13.2.
Variant type: single nucleotide variant.
Coding change: c.1649A>G on transcript NM_015189.3 (MANE Select); coding-DNA position 1649, A replaced by G.
Protein change: p.Asn550Ser; replaces asparagine 550 with serine.
Molecular consequence: missense variant. On other transcripts: non-coding transcript variant (2).
Genome position (GRCh38, 1-based): chr2:72,492,334, T>C on the plus strand (A>G on the coding strand, the complement: EXOC6B is on the minus strand). VCF-style: chr2-72492334-T-C. GRCh37 (hg19) VCF-style: chr2-72719463-T-C.
Other names: c.1649A>G, p.Asn550Ser (NM_001321729.2, NM_001321730.2, NM_001321731.2 and 1 more transcripts); c.1310A>G, p.Asn437Ser (NM_001321734.2); short protein forms N437S, N550S.
Identifiers: ClinVar variation 1392448 (VCV001392448.6), dbSNP rs779595686, ClinGen allele CA50082998.